The following is an entry in ClinVar:

ClinVar aggregate classification (germline): Uncertain significance. Review status: criteria provided, single submitter (1 of 4 stars). 2 submissions from 2 submitters: Uncertain significance (1). 1 of the submissions does not count toward it. Last evaluated 2025-07-01.

Conditions:
AFF3-related disorder. Also called: AFF3-related condition.
Inborn genetic diseases. Identifiers: MedGen C0950123, MeSH D030342.

gnomAD v4.1: 73 of 1,613,968 alleles (0.0045%); highest among the groups gnomAD compares: African/African-American, 0.092%; 1 homozygote.

Submissions (2):

Ambry Genetics
Classification: Uncertain significance for Inborn genetic diseases. Last evaluated: 2025-07-01. Review status: criteria provided, single submitter. Criteria: Ambry Variant Classification Scheme 2023. Collection method: clinical testing. Allele origin: germline.

PreventionGenetics, part of Exact Sciences
Classification: Likely benign for AFF3-related condition. Last evaluated: 2024-04-03. Review status: no assertion criteria provided. Collection method: clinical testing. Allele origin: germline. Not counted in ClinVar's aggregate classification.
Comment: This variant is classified as likely benign based on ACMG/AMP sequence variant interpretation guidelines (Richards et al. 2015 PMID: 25741868, with internal and published modifications).

NM_001386135.1(AFF3):c.572T>C (p.Val191Ala)

Gene: AFF3 (ALF transcription elongation factor 3; minus strand). Cytogenetic location: 2q11.2.
Variant type: single nucleotide variant.
Coding change: c.572T>C on transcript NM_001386135.1 (MANE Select); coding-DNA position 572, T replaced by C.
Protein change: p.Val191Ala; replaces valine 191 with alanine.
Molecular consequence: missense variant.
Genome position (GRCh38, 1-based): chr2:100,006,933, A>G on the plus strand (T>C on the coding strand, the complement: AFF3 is on the minus strand). VCF-style: chr2-100006933-A-G. GRCh37 (hg19) VCF-style: chr2-100623395-A-G.
Other names: c.647T>C, p.Val216Ala (NM_001025108.2); c.572T>C, p.Val191Ala (NM_002285.3); c.647T>C (NM_001025108.1); short protein forms V191A, V216A.
Identifiers: ClinVar variation 3351032 (VCV003351032.2).